The following is an entry in ClinVar:

ClinVar aggregate classification (germline): Uncertain significance (1 of 4 stars; one submission).

Conditions:
Bethlem myopathy 1A. Also called: MYOPATHY, BENIGN CONGENITAL, WITH CONTRACTURES; Bethlem myopathy 1; Bethlem Muscular Dystrophy. Identifiers: Orphanet 610, MedGen CN029274, MONDO:0024530, OMIM 158810.

Submission:

Labcorp Genetics (formerly Invitae), Labcorp
Classification: Uncertain significance for Bethlem myopathy 1A. Last evaluated: 2019-03-15. Review status: criteria provided, single submitter. Criteria: Invitae Variant Classification Sherloc (09022015). Collection method: clinical testing. Allele origin: germline.
Comment: This sequence change replaces valine with phenylalanine at codon 1948 of the COL6A3 protein (p.Val1948Phe). The valine residue is moderately conserved and there is a small physicochemical difference between valine and phenylalanine. This variant is not present in population databases (ExAC no frequency). This variant has not been reported in the literature in individuals with COL6A3-related conditions. Algorithms developed to predict the effect of missense changes on protein structure and function are either unavailable or do not agree on the potential impact of this missense change (SIFT: "Deleterious"; PolyPhen-2: "Probably Damaging"; Align-GVGD: "Class C0"). In summary, the available evidence is currently insufficient to determine the role of this variant in disease. Therefore, it has been classified as a Variant of Uncertain Significance.

NM_004369.4(COL6A3):c.5842G>T (p.Val1948Phe)

Gene: COL6A3 (collagen type VI alpha 3 chain; minus strand). Cytogenetic location: 2q37.3.
Variant type: single nucleotide variant.
Coding change: c.5842G>T on transcript NM_004369.4 (MANE Select); coding-DNA position 5842, G replaced by T.
Protein change: p.Val1948Phe; replaces valine 1948 with phenylalanine.
Molecular consequence: missense variant.
Genome position (GRCh38, 1-based): chr2:237,364,425, C>A on the plus strand (G>T on the coding strand, the complement: COL6A3 is on the minus strand). VCF-style: chr2-237364425-C-A. GRCh37 (hg19) VCF-style: chr2-238273068-C-A.
Other names: c.4021G>T, p.Val1341Phe (NM_057166.5); c.5224G>T, p.Val1742Phe (NM_057167.4); short protein forms V1742F, V1341F, V1948F.
Identifiers: ClinVar variation 849142 (VCV000849142.10), dbSNP rs1454153037, ClinGen allele CA351220043.